The following is an entry in ClinVar:

NM_000170.3(GLDC):c.492C>G (p.Tyr164Ter)

Gene: GLDC (glycine decarboxylase; minus strand). Cytogenetic location: 9p24.1.
Variant type: single nucleotide variant.
Coding change: c.492C>G on transcript NM_000170.3 (MANE Select); coding-DNA position 492, C replaced by G.
Protein change: p.Tyr164Ter; replaces tyrosine 164 with a stop codon.
Molecular consequence: nonsense.
Genome position (GRCh38, 1-based): chr9:6,610,335, G>C on the plus strand (C>G on the coding strand, the complement: GLDC is on the minus strand). VCF-style: chr9-6610335-G-C. GRCh37 (hg19) VCF-style: chr9-6610335-G-C.
Other names: short protein forms Y164*.
Identifiers: ClinVar variation 840135 (VCV000840135.12), dbSNP rs746124283, ClinGen allele CA372898616.

ClinVar aggregate classification (germline): Pathogenic. Review status: criteria provided, multiple submitters, no conflicts (2 of 4 stars). 3 submissions from 3 submitters: Pathogenic (3). Last evaluated 2025-10-28.

Conditions:
Glycine encephalopathy. Also called: Nonketotic hyperglycinemia; Non-ketotic hyperglycinemia. Identifiers: Orphanet 407, MedGen C0751748, MONDO:0011612, HP:0008288.

gnomAD v4.1: 1 of 1,614,002 alleles (0.000062%); highest among the groups gnomAD compares: East Asian, 0.0022%; no homozygotes.

Submissions (3):

Natera, Inc.
Classification: Pathogenic for Non-ketotic hyperglycinemia. Last evaluated: 2025-10-28. Review status: criteria provided, single submitter. Criteria: Natera Variant Classification Schema (03/2026). Collection method: clinical testing. Allele origin: germline.
Comment: The c.492C>G variant in GLDC is a nonsense variant predicted to introduce a stop codon at amino acid 164. This variant is expected to result in nonsense mediated decay, truncation, or a dysfunctional protein product. This variant is rare in the general population with a frequency below the threshold expected for the associated phenotype(s). This variant has been observed in one or more individuals affected with the associated recessive disease, as either homozygous or compound heterozygous with a second variant (PMID: 37614902, 27362913). Given the available evidence, this variant is classified as Pathogenic.

Fulgent Genetics
Classification: Pathogenic for Glycine encephalopathy 1. Last evaluated: 2022-04-06. Review status: criteria provided, single submitter. Criteria: ACMG Guidelines, 2015. Collection method: clinical testing. Allele origin: unknown.

Labcorp Genetics (formerly Invitae), Labcorp
Classification: Pathogenic for Glycine encephalopathy. Last evaluated: 2020-10-09. Review status: criteria provided, single submitter. Criteria: Invitae Variant Classification Sherloc (09022015). Collection method: clinical testing. Allele origin: germline.
Comment: Loss-of-function variants in GLDC are known to be pathogenic (PMID: 16601880). This sequence change creates a premature translational stop signal (p.Tyr164*) in the GLDC gene. It is expected to result in an absent or disrupted protein product. This variant is not present in population databases (ExAC no frequency). This variant has been observed in combination with another GLDC variant in an individual with suspected nonketotic hyperglycinemia (PMID: 27362913). ClinVar contains an entry for this variant (Variation ID: 840135). Algorithms developed to predict the effect of sequence changes on RNA splicing suggest that this variant may create or strengthen a splice site, but this prediction has not been confirmed by published transcriptional studies. For these reasons, this variant has been classified as Pathogenic.

Literature cited by the submitters: PubMed 37614902 (cited by Natera, Inc.); PubMed 27362913 (cited by Natera, Inc. and Labcorp Genetics (formerly Invitae), Labcorp); PubMed 16601880 (cited by Labcorp Genetics (formerly Invitae), Labcorp).